The following is an entry in ClinVar:

ClinVar aggregate classification (germline): Uncertain significance (1 of 4 stars; one submission).

Allele frequency attached by ClinVar (database versions not stated): gnomAD 0.00001; TOPMed below 0.00001.
gnomAD v4.1: 3 of 1,613,980 alleles (0.00019%); highest among the groups gnomAD compares: Admixed American, 0.005%; no homozygotes.

Submission:

Labcorp Genetics (formerly Invitae), Labcorp
Classification: Uncertain significance. Last evaluated: 2024-08-12. Review status: criteria provided, single submitter. Criteria: Invitae Variant Classification Sherloc (09022015). Collection method: clinical testing. Allele origin: germline.
Comment: This sequence change replaces glycine, which is neutral and non-polar, with aspartic acid, which is acidic and polar, at codon 1124 of the SETBP1 protein (p.Gly1124Asp). This variant is present in population databases (no rsID available, gnomAD 0.006%). This variant has not been reported in the literature in individuals affected with SETBP1-related conditions. ClinVar contains an entry for this variant (Variation ID: 2053658). Advanced modeling of protein sequence and biophysical properties (such as structural, functional, and spatial information, amino acid conservation, physicochemical variation, residue mobility, and thermodynamic stability) performed at Invitae indicates that this missense variant is not expected to disrupt SETBP1 protein function with a negative predictive value of 80%. In summary, the available evidence is currently insufficient to determine the role of this variant in disease. Therefore, it has been classified as a Variant of Uncertain Significance.

NM_015559.3(SETBP1):c.3371G>A (p.Gly1124Asp)

Gene: SETBP1 (SET binding protein 1; plus strand). Cytogenetic location: 18q12.3.
Variant type: single nucleotide variant.
Coding change: c.3371G>A on transcript NM_015559.3 (MANE Select); coding-DNA position 3371, G replaced by A.
Protein change: p.Gly1124Asp; replaces glycine 1124 with aspartic acid.
Molecular consequence: missense variant.
Genome position (GRCh38, 1-based): chr18:44,952,711, G>A. VCF-style: chr18-44952711-G-A. GRCh37 (hg19) VCF-style: chr18-42532676-G-A.
Other names: c.3371G>A, p.Gly1124Asp (NM_001379141.1, NM_001379142.1, NM_001410862.1); short protein forms G1124D.
Identifiers: ClinVar variation 2053658 (VCV002053658.4), dbSNP rs754226335, ClinGen allele CA402324286.